The following is an entry in ClinVar:

ClinVar aggregate classification (germline): Likely pathogenic. Review status: criteria provided, multiple submitters, no conflicts (2 of 4 stars). 3 submissions from 2 submitters: Likely pathogenic (3). Last evaluated 2024-01-01.

Conditions:
Aminoacylase 1 deficiency. Also called: Neurological conditions associated with aminoacylase 1 deficiency. Identifiers: Orphanet 137754, MedGen C1835922, MONDO:0012368, OMIM 609924.
Baraitser-Winter syndrome 1 (BRWS1). Also called: BARAITSER-WINTER SYNDROME 1, ATYPICAL; PACHYGYRIA, MENTAL RETARDATION, EPILEPSY, AND CHARACTERISTIC FACIES; MENTAL RETARDATION WITH EPILEPSY AND CHARACTERISTIC FACIES; Cerebrofrontofacial syndrome. Identifiers: Orphanet 2649, Orphanet 2995, MedGen C1855722, MONDO:0009470, OMIM 243310.
ACTB-related BAFopathy.

Submissions (3):

Daryl Scott Lab, Baylor College of Medicine
Classification: Likely pathogenic for Baraitser-Winter syndrome 1. Last evaluated: 2024-01-01. Review status: criteria provided, single submitter. Criteria: ACMG Guidelines, 2015. Collection method: clinical testing. Allele origin: de novo. Affected: yes. Observed: 1 heterozygote.
Comment: PS2, PM2, PM5, PP3

Daryl Scott Lab, Baylor College of Medicine
Classification: Likely pathogenic for Aminoacylase 1 deficiency. Last evaluated: 2023-11-10. Review status: criteria provided, single submitter. Criteria: ACMG Guidelines, 2015. Collection method: clinical testing. Allele origin: de novo. Affected: yes.

Baylor Genetics
Classification: Likely pathogenic for ACTB-related BAFopathy. Last evaluated: 2021-06-10. Review status: criteria provided, single submitter. Criteria: ACMG Guidelines, 2015. Collection method: clinical testing. Allele origin: de novo. Affected: yes.

NM_001101.5(ACTB):c.587G>T (p.Arg196Leu)

Gene: ACTB (actin beta; minus strand). Cytogenetic location: 7p22.1.
Variant type: single nucleotide variant.
Coding change: c.587G>T on transcript NM_001101.5 (MANE Select); coding-DNA position 587, G replaced by T.
Protein change: p.Arg196Leu; replaces arginine 196 with leucine.
Molecular consequence: missense variant.
Genome position (GRCh38, 1-based): chr7:5,528,496, C>A on the plus strand (G>T on the coding strand, the complement: ACTB is on the minus strand). VCF-style: chr7-5528496-C-A. GRCh37 (hg19) VCF-style: chr7-5568127-C-A.
Other names: c.587G>T (NM_001101.3); short protein forms R196L.
Identifiers: ClinVar variation 1177326 (VCV001177326.3), dbSNP rs281875334, ClinGen allele CA366702585.